The following is an entry in ClinVar:

ClinVar aggregate classification (germline): Uncertain significance (1 of 4 stars; one submission).

Conditions:
Spastic paraplegia. Identifiers: MedGen C0037772, HP:0001258.

Submission:

Labcorp Genetics (formerly Invitae), Labcorp
Classification: Uncertain significance for Spastic paraplegia. Last evaluated: 2023-08-19. Review status: criteria provided, single submitter. Criteria: Invitae Variant Classification Sherloc (09022015). Collection method: clinical testing. Allele origin: germline.
Comment: In summary, the available evidence is currently insufficient to determine the role of this variant in disease. Therefore, it has been classified as a Variant of Uncertain Significance. Advanced modeling of protein sequence and biophysical properties (such as structural, functional, and spatial information, amino acid conservation, physicochemical variation, residue mobility, and thermodynamic stability) performed at Invitae indicates that this missense variant is expected to disrupt CYP7B1 protein function. This missense change has been observed in individual(s) with spastic paraplegia (PMID: 35464835). This variant is not present in population databases (gnomAD no frequency). This sequence change replaces aspartic acid, which is acidic and polar, with tyrosine, which is neutral and polar, at codon 391 of the CYP7B1 protein (p.Asp391Tyr).

Literature cited by the submitters: PubMed 35464835.

NM_004820.5(CYP7B1):c.1171G>T (p.Asp391Tyr)

Gene: CYP7B1 (cytochrome P450 family 7 subfamily B member 1; minus strand). Cytogenetic location: 8q12.3.
Variant type: single nucleotide variant.
Coding change: c.1171G>T on transcript NM_004820.5 (MANE Select); coding-DNA position 1171, G replaced by T.
Protein change: p.Asp391Tyr; replaces aspartic acid 391 with tyrosine.
Molecular consequence: missense variant.
Genome position (GRCh38, 1-based): chr8:64,604,744, C>A on the plus strand (G>T on the coding strand, the complement: CYP7B1 is on the minus strand). VCF-style: chr8-64604744-C-A. GRCh37 (hg19) VCF-style: chr8-65517301-C-A.
Other names: c.1171G>T, p.Asp391Tyr (NM_001324112.2); short protein forms D391Y.
Identifiers: ClinVar variation 2900116 (VCV002900116.3), dbSNP rs1458654195, ClinGen allele CA371334118.